The following is an entry in ClinVar:

NM_005515.4(MNX1):c.245G>T (p.Arg82Leu)

Gene: MNX1 (motor neuron and pancreas homeobox 1; minus strand). Cytogenetic location: 7q36.3.
Variant type: single nucleotide variant.
Coding change: c.245G>T on transcript NM_005515.4 (MANE Select); coding-DNA position 245, G replaced by T.
Protein change: p.Arg82Leu; replaces arginine 82 with leucine.
Molecular consequence: missense variant.
Genome position (GRCh38, 1-based): chr7:157,010,106, C>A on the plus strand (G>T on the coding strand, the complement: MNX1 is on the minus strand). VCF-style: chr7-157010106-C-A. GRCh37 (hg19) VCF-style: chr7-156802800-C-A.
Other names: short protein forms R82L.
Identifiers: ClinVar variation 2819444 (VCV002819444.3), dbSNP rs2537781642, ClinGen allele CA370164950.

ClinVar aggregate classification (germline): Uncertain significance (1 of 4 stars; one submission).

Allele frequency attached by ClinVar (database versions not stated): gnomAD exomes below 0.00001.

Submission:

Labcorp Genetics (formerly Invitae), Labcorp
Classification: Uncertain significance. Last evaluated: 2022-12-08. Review status: criteria provided, single submitter. Criteria: Invitae Variant Classification Sherloc (09022015). Collection method: clinical testing. Allele origin: germline.
Comment: In summary, the available evidence is currently insufficient to determine the role of this variant in disease. Therefore, it has been classified as a Variant of Uncertain Significance. Advanced modeling of protein sequence and biophysical properties (such as structural, functional, and spatial information, amino acid conservation, physicochemical variation, residue mobility, and thermodynamic stability) performed at Invitae indicates that this missense variant is not expected to disrupt MNX1 protein function. This variant has not been reported in the literature in individuals affected with MNX1-related conditions. The frequency data for this variant in the population databases is considered unreliable, as metrics indicate insufficient coverage at this position in the gnomAD database. This sequence change replaces arginine, which is basic and polar, with leucine, which is neutral and non-polar, at codon 82 of the MNX1 protein (p.Arg82Leu).